The following is an entry in ClinVar:

NM_014588.6(VSX1):c.901T>G (p.Ser301Ala)

Gene: VSX1 (visual system homeobox 1; minus strand). Cytogenetic location: 20p11.21.
Variant type: single nucleotide variant.
Coding change: c.901T>G on transcript NM_014588.6 (MANE Select); coding-DNA position 901, T replaced by G.
Protein change: p.Ser301Ala; replaces serine 301 with alanine.
Molecular consequence: missense variant. On other transcripts: non-coding transcript variant (2), intron variant (2).
Genome position (GRCh38, 1-based): chr20:25,076,458, A>C on the plus strand (T>G on the coding strand, the complement: VSX1 is on the minus strand). VCF-style: chr20-25076458-A-C. GRCh37 (hg19) VCF-style: chr20-25057094-A-C.
Other names: c.208T>G, p.Ser70Ala (NM_001378633.1); c.627+2371T>G (NM_001256271.2); c.808+1227T>G (NM_001256272.2); short protein forms S301A, S70A.
Identifiers: ClinVar variation 3607642 (VCV003607642.2).

ClinVar aggregate classification (germline): Uncertain significance (1 of 4 stars; one submission).

gnomAD v4.1: 8 of 1,614,026 alleles (0.0005%); highest among the groups gnomAD compares: Admixed American, 0.012%; no homozygotes.

Submission:

Labcorp Genetics (formerly Invitae), Labcorp
Classification: Uncertain significance. Last evaluated: 2024-12-02. Review status: criteria provided, single submitter. Criteria: Invitae Variant Classification Sherloc (09022015). Collection method: clinical testing. Allele origin: germline.
Comment: This sequence change replaces serine, which is neutral and polar, with alanine, which is neutral and non-polar, at codon 301 of the VSX1 protein (p.Ser301Ala). This variant is present in population databases (rs778689146, gnomAD 0.02%). This variant has not been reported in the literature in individuals affected with VSX1-related conditions. An algorithm developed to predict the effect of missense changes on protein structure and function outputs the following: PolyPhen-2: "Benign". The alanine amino acid residue is found in multiple mammalian species, which suggests that this missense change does not adversely affect protein function. In summary, the available evidence is currently insufficient to determine the role of this variant in disease. Therefore, it has been classified as a Variant of Uncertain Significance.